The following is an entry in ClinVar:

NM_000218.3(KCNQ1):c.1214_1215del (p.Leu405fs)

Gene: KCNQ1 (potassium voltage-gated channel subfamily Q member 1; plus strand). Cytogenetic location: 11p15.5.
Variant type: Deletion.
Coding change: c.1214_1215del on transcript NM_000218.3 (MANE Select); coding-DNA positions 1214 to 1215, 2 bases deleted (TG; older notation c.1214_1215delTG).
Protein change: p.Leu405fs; shifts the reading frame from leucine 405.
Molecular consequence: frameshift variant.
Genome position (GRCh38, 1-based): chr11:2,587,655-2,587,656, TG deleted. VCF-style (leftmost placement, unchanged base first): chr11-2587654-CTG-C. GRCh37 (hg19) VCF-style: chr11-2608884-CTG-C.
Other names: c.1214_1215del (NM_000218.2); c.1214_1215delTG, p.Leu405Profs (NM_000218.2); c.1118_1119delTG, p.Leu373Profs (NM_001406836.1); c.944_945delTG, p.Leu315Profs (NM_001406837.1); c.674_675delTG, p.Leu225Profs (NM_001406838.1); c.833_834delTG, p.Leu278Profs (NM_181798.2); short protein forms L278fs, L405fs.
Identifiers: ClinVar variation 992394 (VCV000992394.5), dbSNP rs1848613169, ClinGen allele CA1139661778.

ClinVar aggregate classification (germline): Likely pathogenic. Review status: criteria provided, single submitter (1 of 4 stars). 2 submissions from 2 submitters: Likely pathogenic (1). 1 of the submissions does not count toward it. Last evaluated 2024-12-10.

Conditions:
Cardiovascular phenotype. Identifiers: MedGen CN230736.
Long QT syndrome 1 (LQT1). Identifiers: Orphanet 101016, Orphanet 768, MedGen C4551647, MONDO:0100316, OMIM 192500, MONDO:0008646.

Submissions (2):

Molecular Diagnostic Laboratory for Inherited Cardiovascular Disease, Montreal Heart Institute
Classification: Likely pathogenic for Cardiovascular phenotype. Last evaluated: 2024-12-10. Review status: criteria provided, single submitter. Criteria: ACMG Guidelines, 2015. Collection method: clinical testing. Allele origin: germline. Affected: yes.
Comment: PVS1, PM2

Bioscientia Institut fuer Medizinische Diagnostik GmbH, Sonic Healthcare
Classification: Likely pathogenic for Long QT syndrome 1. Last evaluated: 2020-06-17. Review status: no assertion criteria provided. Collection method: clinical testing. Allele origin: germline. Affected: yes. Not counted in ClinVar's aggregate classification.